The following is an entry in ClinVar:

NM_032119.4(ADGRV1):c.5489A>C (p.Asp1830Ala)

Gene: ADGRV1 (adhesion G protein-coupled receptor V1; plus strand). Cytogenetic location: 5q14.3.
Variant type: single nucleotide variant.
Coding change: c.5489A>C on transcript NM_032119.4 (MANE Select); coding-DNA position 5489, A replaced by C.
Protein change: p.Asp1830Ala; replaces aspartic acid 1830 with alanine.
Molecular consequence: missense variant. On other transcripts: non-coding transcript variant (1).
Genome position (GRCh38, 1-based): chr5:90,679,594, A>C. VCF-style: chr5-90679594-A-C. GRCh37 (hg19) VCF-style: chr5-89975411-A-C.
Other names: short protein forms D1830A.
Identifiers: ClinVar variation 1810545 (VCV001810545.1), dbSNP rs2530778625, ClinGen allele CA360412034.

ClinVar aggregate classification (germline): Uncertain significance (1 of 4 stars; one submission).

Submission:

GeneDx
Classification: Uncertain significance. Last evaluated: 2022-07-06. Review status: criteria provided, single submitter. Criteria: GeneDx Variant Classification Process June 2021. Collection method: clinical testing. Allele origin: germline. Affected: yes.
Comment: Not observed at significant frequency in large population cohorts (gnomAD); In silico analysis supports that this missense variant has a deleterious effect on protein structure/function; Has not been previously published as pathogenic or benign to our knowledge